The following is an entry in ClinVar:

ClinVar aggregate classification (germline): Uncertain significance. Review status: criteria provided, multiple submitters, no conflicts (2 of 4 stars). 4 submissions from 4 submitters: Uncertain significance (4). Last evaluated 2024-04-04.

Conditions:
Meckel-Gruber syndrome. Also called: Dysencephalia splachnocystica; DYSENCEPHALIA SPLANCHNOCYSTICA; GRUBER SYNDROME. Identifiers: Orphanet 564, MedGen C0265215, MONDO:0018921.
Joubert syndrome. Also called: Familial aplasia of the vermis; JOUBERT-BOLTSHAUSER SYNDROME. Identifiers: Orphanet 475, MedGen C5979921, MONDO:0018772.
Joubert syndrome 6 (JBTS6). Identifiers: Orphanet 475, MedGen C1853153, MONDO:0012539, OMIM 610688.
RHYNS syndrome. Also called: RETINITIS PIGMENTOSA SYNDROME; RETINITIS PIGMENTOSA, HYPOPITUITARISM, NEPHRONOPHTHISIS, AND MILD SKELETAL DYSPLASIA. Identifiers: Orphanet 140976, MedGen C1865794, MONDO:0011202, OMIM 602152.
COACH syndrome 1. Identifiers: Orphanet 1454, MedGen C5435651, MONDO:0800103, OMIM 216360, MONDO:0008996.
Meckel syndrome, type 3 (MKS3). Also called: MECKEL-GRUBER SYNDROME, TYPE 3. Identifiers: Orphanet 564, MedGen C1846357, MONDO:0011821, OMIM 607361.
Bardet-Biedl syndrome 14 (BBS14). Identifiers: Orphanet 110, MedGen C2673874, MONDO:0014442, OMIM 615991.
Nephronophthisis 11 (NPHP11). Identifiers: Orphanet 84081, MedGen C3150796, MONDO:0013302, OMIM 613550.

Allele frequency attached by ClinVar (database versions not stated): gnomAD 0.00002 and 0.00003; gnomAD exomes 0.00003; TOPMed 0.00003; ExAC 0.00005; 1000 Genomes Project 30x 0.00031; 1000 Genomes Project 0.00040.

Submissions (4):

Fulgent Genetics
Classification: Uncertain significance for COACH syndrome 1; RHYNS syndrome; Meckel syndrome, type 3; Joubert syndrome 6; Nephronophthisis 11; Bardet-Biedl syndrome 14. Last evaluated: 2024-04-04. Review status: criteria provided, single submitter. Criteria: ACMG Guidelines, 2015. Collection method: clinical testing. Allele origin: germline.

Women's Health and Genetics/Laboratory Corporation of America, LabCorp
Classification: Uncertain significance. Last evaluated: 2024-03-18. Review status: criteria provided, single submitter. Criteria: LabCorp Variant Classification Summary - May 2015. Collection method: clinical testing. Allele origin: germline.
Comment: Variant summary: TMEM67 c.722C>G (p.Ala241Gly) results in a non-conservative amino acid change in the encoded protein sequence. Four of five in-silico tools predict a benign effect of the variant on protein function. The variant allele was found at a frequency of 3.2e-05 in 251222 control chromosomes (gnomAD). The available data on variant occurrences in the general population are insufficient to allow any conclusion about variant significance. c.722C>G has been reported in the literature as a compound heterozygous genotype in an individual affected with Joubert Syndrome (Suzuki_2016). These data do not allow any conclusion about variant significance. To our knowledge, no experimental evidence demonstrating an impact on protein function has been reported. The following publication has been ascertained in the context of this evaluation (PMID: 27434533). ClinVar contains an entry for this variant (Variation ID: 1448030). Based on the evidence outlined above, the variant was classified as uncertain significance.

Blueprint Genetics
Classification: Uncertain significance. Last evaluated: 2023-01-30. Review status: criteria provided, single submitter. Criteria: ACMG Guidelines, 2015. Collection method: clinical testing. Allele origin: germline.

Labcorp Genetics (formerly Invitae), Labcorp
Classification: Uncertain significance for Joubert syndrome; Meckel-Gruber syndrome. Last evaluated: 2022-08-22. Review status: criteria provided, single submitter. Criteria: Invitae Variant Classification Sherloc (09022015). Collection method: clinical testing. Allele origin: germline.
Comment: This sequence change replaces alanine, which is neutral and non-polar, with glycine, which is neutral and non-polar, at codon 241 of the TMEM67 protein (p.Ala241Gly). This variant is present in population databases (rs115766095, gnomAD 0.06%). This missense change has been observed in individual(s) with Joubert syndrome (PMID: 27434533). ClinVar contains an entry for this variant (Variation ID: 1448030). Advanced modeling of protein sequence and biophysical properties (such as structural, functional, and spatial information, amino acid conservation, physicochemical variation, residue mobility, and thermodynamic stability) performed at Invitae indicates that this missense variant is not expected to disrupt TMEM67 protein function. In summary, the available evidence is currently insufficient to determine the role of this variant in disease. Therefore, it has been classified as a Variant of Uncertain Significance.

Literature cited by the submitters: PubMed 27434533 (cited by Women's Health and Genetics/Laboratory Corporation of America, LabCorp and Labcorp Genetics (formerly Invitae), Labcorp).

NM_153704.6(TMEM67):c.722C>G (p.Ala241Gly)

Gene: TMEM67 (transmembrane protein 67; plus strand). Cytogenetic location: 8q22.1.
Variant type: single nucleotide variant.
Coding change: c.722C>G on transcript NM_153704.6 (MANE Select); coding-DNA position 722, C replaced by G.
Protein change: p.Ala241Gly; replaces alanine 241 with glycine.
Molecular consequence: missense variant. On other transcripts: non-coding transcript variant (1).
Genome position (GRCh38, 1-based): chr8:93,780,600, C>G. VCF-style: chr8-93780600-C-G. GRCh37 (hg19) VCF-style: chr8-94792828-C-G.
Other names: c.479C>G, p.Ala160Gly (NM_001142301.1); short protein forms A160G, A241G.
Identifiers: ClinVar variation 1448030 (VCV001448030.10), dbSNP rs115766095, ClinGen allele CA4807763.
Genomic context (GRCh38, chr8:93,780,600, plus strand): 5'-TGCATAGACTGTTCAGGTTCATGTTACTTTTCTTTGCCATTGTTCTGTTGTAGGTATATG[C>G]CAATCTAACATCTTGTCAAGCTCTTGGAAATATGTGTGTGATGAACATGAATTCTTACGA-3'
Protein context (NP_714915.3, residues 231-251): QSSAAACWVY[Ala241Gly]NLTSCQALGN